The following is an entry in ClinVar:

NC_000009.12:g.113275649G>A

Gene: PRPF4 (pre-mRNA splicing tri-snRNP complex factor PRPF4; plus strand). Cytogenetic location: 9q32.
Variant type: single nucleotide variant.
Genome position: GRCh38 VCF-style: chr9-113275649-G-A. GRCh37 (hg19) VCF-style: chr9-116037929-G-A.
Identifiers: ClinVar variation 3700397 (VCV003700397.2).

ClinVar aggregate classification (germline): Uncertain significance (1 of 4 stars; one submission).

Submission:

Labcorp Genetics (formerly Invitae), Labcorp
Classification: Uncertain significance. Last evaluated: 2024-07-15. Review status: criteria provided, single submitter. Criteria: Invitae Variant Classification Sherloc (09022015). Collection method: clinical testing. Allele origin: germline.
Comment: This variant occurs in a non-coding region of the PRPF4 gene. It does not change the encoded amino acid sequence of the PRPF4 protein. This variant is not present in population databases (gnomAD no frequency). This variant has not been reported in the literature in individuals affected with PRPF4-related conditions. In summary, the available evidence is currently insufficient to determine the role of this variant in disease. Therefore, it has been classified as a Variant of Uncertain Significance.